The following is an entry in ClinVar:

ClinVar aggregate classification (germline): Pathogenic/Likely pathogenic. Review status: criteria provided, multiple submitters, no conflicts (2 of 4 stars). 4 submissions from 4 submitters: Pathogenic (1); Likely pathogenic (2). 1 of the submissions does not count toward it. Last evaluated 2025-08-09.

Conditions:
SNORD118-related condition.
Leukoencephalopathy with calcifications and cysts. Also called: LABRUNE SYNDROME; Leukoencephalopathy, brain calcifications, and cysts. Identifiers: Orphanet 542310, MedGen C3281200, MONDO:0013803, OMIM 614561.

gnomAD v4.1: 12 of 764,224 alleles (0.0016%); highest among the groups gnomAD compares: Non-Finnish European, 0.0019%; no homozygotes.

Submissions (4):

PreventionGenetics, part of Exact Sciences
Classification: Likely pathogenic for SNORD118-related condition. Last evaluated: 2025-08-09. Review status: criteria provided, single submitter. Criteria: ACMG Guidelines, 2015. Collection method: clinical testing. Allele origin: germline.
Comment: The SNORD118 n.8G>C is a noncoding alteration. This variant has been reported in the homozygous and compound heterozygous state in at least four individuals with leukoencephalopathy with calcifications and cysts (LCC) (Vanderver et al. 2020. PubMed ID: 32342562; Crow et al. 2020. PubMed ID: 33029936). In two of the reported individuals, additional variants in SNORD118 or an alternate gene were identified, although in both studies the authors considered the other variants less likely to be causative than the n.8G>C variant (Jenkinson et al. 2016. PubMed ID: 27571260; McNeill et al. 2017. PubMed ID: 28748214). Functional studies for n.8G>C resulted in aberrant, enhanced-rate, U8 (SNORD118) processing and rescue experiments using zebrafish embryos showed restoration of hindbrain swelling and embryo length (Badrock et al. 2020. PubMed ID: 32359472). An alternate nucleotide change at the same genomic position, n.8G>A, has been reported in the compound heterozygous state in an individual with LCC (Crow et al. 2020. PubMed ID: 33029936). This variant is reported in 0.0044% of alleles in individuals of African descent in gnomAD. This variant is interpreted as likely pathogenic.

Labcorp Genetics (formerly Invitae), Labcorp
Classification: Pathogenic. Last evaluated: 2023-05-22. Review status: criteria provided, single submitter. Criteria: Invitae Variant Classification Sherloc (09022015). Collection method: clinical testing. Allele origin: germline.
Comment: For these reasons, this variant has been classified as Pathogenic. Algorithms developed to predict the effect of sequence changes on RNA splicing suggest that this variant may disrupt the consensus splice site. ClinVar contains an entry for this variant (Variation ID: 929292). This variant has been observed in individual(s) with leukoencephalopathy with brain calcifications and cysts (PMID: 27571260, 32342562, 33029936; Invitae). In at least one individual the data is consistent with being in trans (on the opposite chromosome) from a pathogenic variant. This variant is present in population databases (rs201266955, gnomAD 0.004%). This variant occurs in the SNORD118 gene, which encodes an RNA molecule that does not result in a protein product.

CeGaT Center for Human Genetics Tuebingen
Classification: Likely pathogenic. Last evaluated: 2019-09-01. Review status: criteria provided, single submitter. Criteria: CeGaT Center For Human Genetics Tuebingen Variant Classification Criteria Version 2. Collection method: clinical testing. Allele origin: germline. Affected: yes. Observed: 1 variant allele.

Laboratory of Neurogenetics and Neuroinflammation, Institut Imagine
Classification: Pathogenic for Leukoencephalopathy, brain calcifications, and cysts. Last evaluated: 2020-04-06. Review status: no assertion criteria provided. Collection method: clinical testing. Allele origin: germline. Affected: yes. Observed: 3 variant alleles. Not counted in ClinVar's aggregate classification.

Literature cited by the submitters: PubMed 27571260 (cited by Labcorp Genetics (formerly Invitae), Labcorp); PubMed 32342562 (cited by Labcorp Genetics (formerly Invitae), Labcorp); PubMed 33029936 (cited by Labcorp Genetics (formerly Invitae), Labcorp).

NR_033294.2(SNORD118):n.8G>C

Genes: SNORD118 (small nucleolar RNA, C/D box 118; minus strand), TMEM107 (transmembrane protein 107; minus strand). Cytogenetic location: 17p13.1.
Variant type: single nucleotide variant.
Molecular consequence: non-coding transcript variant (on NR_033294.2). On other transcripts: 3 prime UTR variant (5).
Genome position: GRCh38 VCF-style: chr17-8173581-C-G. GRCh37 (hg19) VCF-style: chr17-8076899-C-G.
Other names: c.*622G>C (NM_001351278.2, NM_001351279.2, NM_001351280.2 and 2 more transcripts).
Identifiers: ClinVar variation 929292 (VCV000929292.37), dbSNP rs201266955, ClinGen allele CA8370836.